The following is an entry in ClinVar:

ClinVar aggregate classification (germline): Uncertain significance (1 of 4 stars; one submission).

Conditions:
Methylmalonic acidemia with homocystinuria, type cblJ (MAHCJ). Also called: METHYLMALONIC ACIDURIA AND HOMOCYSTINURIA, cblJ TYPE. Identifiers: Orphanet 369955, MedGen C3553915, MONDO:0013925, OMIM 614857.

Submission:

Labcorp Genetics (formerly Invitae), Labcorp
Classification: Uncertain significance for Methylmalonic acidemia with homocystinuria, type cblJ. Last evaluated: 2024-04-10. Review status: criteria provided, single submitter. Criteria: Invitae Variant Classification Sherloc (09022015). Collection method: clinical testing. Allele origin: germline.
Comment: This sequence change falls in intron 13 of the ABCD4 gene. It does not directly change the encoded amino acid sequence of the ABCD4 protein. It affects a nucleotide within the consensus splice site. This variant is not present in population databases (gnomAD no frequency). This variant has not been reported in the literature in individuals affected with ABCD4-related conditions. Variants that disrupt the consensus splice site are a relatively common cause of aberrant splicing (PMID: 17576681, 9536098). Algorithms developed to predict the effect of sequence changes on RNA splicing suggest that this variant is not likely to affect RNA splicing. In summary, the available evidence is currently insufficient to determine the role of this variant in disease. Therefore, it has been classified as a Variant of Uncertain Significance.

Literature cited by the submitters: PubMed 17576681; PubMed 9536098.

NM_005050.4(ABCD4):c.1420-3del

Gene: ABCD4 (ATP binding cassette subfamily D member 4; minus strand). Cytogenetic location: 14q24.3.
Variant type: Deletion.
Coding change: c.1420-3del on transcript NM_005050.4 (MANE Select); 3 bases into the intron before coding-DNA position 1420, one base deleted (C; older notation c.1420-3delC).
Molecular consequence: intron variant.
Genome position (GRCh38, 1-based): chr14:74,289,522, G deleted on the plus strand (C on the coding strand, the reverse complement: ABCD4 is on the minus strand). VCF-style (leftmost placement, unchanged base first): chr14-74289521-TG-T. GRCh37 (hg19) VCF-style: chr14-74756224-TG-T.
Other names: c.631-3del (NM_001353607.2, NM_001353604.2, NM_001353603.2 and 6 more transcripts); c.943-3del (NM_001353598.2, NM_001353601.2, NM_001353600.2 and 2 more transcripts); c.1108-3del (NM_001353594.2); c.1159-3del (NM_001353593.2); c.955-3del (NM_001353597.2); c.1006-3del (NM_001353596.2, NM_001353595.2); c.1294-3del (NM_001353591.2, NM_001353592.2); c.1420-3del (NM_020325.3).
Identifiers: ClinVar variation 2745746 (VCV002745746.3), dbSNP rs2505241359, ClinGen allele CA2697554019.